The following is an entry in ClinVar:

ClinVar aggregate classification (germline): Uncertain significance (1 of 4 stars; one submission).

gnomAD v4.1: 2 of 1,614,118 alleles (0.00012%); highest among the groups gnomAD compares: Middle Eastern, 0.016%; no homozygotes.

Submission:

Ambry Genetics
Classification: Uncertain significance. Last evaluated: 2022-03-24. Review status: criteria provided, single submitter. Criteria: Ambry Variant Classification Scheme 2023. Collection method: clinical testing. Allele origin: germline.
Comment: The p.G124S variant (also known as c.370G>A), located in coding exon 3 of the ALPK2 gene, results from a G to A substitution at nucleotide position 370. The glycine at codon 124 is replaced by serine, an amino acid with similar properties. This amino acid position is conserved. In addition, this alteration is predicted to be tolerated by in silico analysis. Since supporting evidence is limited at this time, the clinical significance of this alteration remains unclear.

NM_052947.4(ALPK2):c.370G>A (p.Gly124Ser)

Gene: ALPK2 (alpha kinase 2; minus strand). Cytogenetic location: 18q21.31.
Variant type: single nucleotide variant.
Coding change: c.370G>A on transcript NM_052947.4 (MANE Select); coding-DNA position 370, G replaced by A.
Protein change: p.Gly124Ser; replaces glycine 124 with serine.
Molecular consequence: missense variant.
Genome position (GRCh38, 1-based): chr18:58,580,406, C>T on the plus strand (G>A on the coding strand, the complement: ALPK2 is on the minus strand). VCF-style: chr18-58580406-C-T. GRCh37 (hg19) VCF-style: chr18-56247638-C-T.
Other names: short protein forms G124S.
Identifiers: ClinVar variation 1734188 (VCV001734188.2), dbSNP rs2051952260, ClinGen allele CA402568129.